The following is an entry in ClinVar:

ClinVar aggregate classification (germline): Uncertain significance (1 of 4 stars; one submission).

Allele frequency attached by ClinVar (database versions not stated): TOPMed below 0.00001; gnomAD 0.00001.
gnomAD v4.1: 1 of 1,613,426 alleles (0.000062%); highest among the groups gnomAD compares: Non-Finnish European, 0.000085%; no homozygotes.

Submission:

Ambry Genetics
Classification: Uncertain significance. Last evaluated: 2023-12-14. Review status: criteria provided, single submitter. Criteria: Ambry Variant Classification Scheme 2023. Collection method: clinical testing. Allele origin: germline.
Comment: The p.E1770K variant (also known as c.5308G>A), located in coding exon 4 of the ALPK2 gene, results from a G to A substitution at nucleotide position 5308. The glutamic acid at codon 1770 is replaced by lysine, an amino acid with similar properties. This amino acid position is conserved. In addition, the in silico prediction for this alteration is inconclusive. Since supporting evidence is limited at this time, the clinical significance of this alteration remains unclear.

NM_052947.4(ALPK2):c.5308G>A (p.Glu1770Lys)

Genes: ALPK2 (alpha kinase 2; minus strand), LOC130062577 (ATAC-STARR-seq lymphoblastoid active region 13389; plus strand). Cytogenetic location: 18q21.31.
Variant type: single nucleotide variant.
Coding change: c.5308G>A on transcript NM_052947.4 (MANE Select); coding-DNA position 5308, G replaced by A.
Protein change: p.Glu1770Lys; replaces glutamic acid 1770 with lysine.
Molecular consequence: missense variant.
Genome position (GRCh38, 1-based): chr18:58,534,879, C>T on the plus strand (G>A on the coding strand, the complement: ALPK2 is on the minus strand). VCF-style: chr18-58534879-C-T. GRCh37 (hg19) VCF-style: chr18-56202111-C-T.
Other names: short protein forms E1770K.
Identifiers: ClinVar variation 3228794 (VCV003228794.1), dbSNP rs2051634756, ClinGen allele CA402557108.